The following is an entry in ClinVar:

ClinVar aggregate classification (germline): Conflicting classifications of pathogenicity. Review status: criteria provided, conflicting classifications (1 of 4 stars). 3 submissions from 3 submitters: Pathogenic (1); Likely pathogenic (1); Uncertain significance (1). Last evaluated 2022-10-03.

Conditions:
Marfan syndrome (MFS). Also called: FBN1-Related Marfan Syndrome; MARFAN SYNDROME, TYPE I; Marfan syndrome type 1; Marfan's syndrome; Marfan syndrome, classic. Identifiers: Orphanet 284963, Orphanet 558, MedGen C0024796, MONDO:0007947, OMIM 154700.
Familial thoracic aortic aneurysm and aortic dissection (TAAD). Also called: Thoracic aortic aneurysms and dissections. Identifiers: Orphanet 91387, MedGen C4707243, MONDO:0019625.

Submissions (3):

Labcorp Genetics (formerly Invitae), Labcorp
Classification: Pathogenic for Marfan syndrome; Familial thoracic aortic aneurysm and aortic dissection. Last evaluated: 2022-10-03. Review status: criteria provided, single submitter. Criteria: Invitae Variant Classification Sherloc (09022015). Collection method: clinical testing. Allele origin: germline.
Comment: For these reasons, this variant has been classified as Pathogenic. Advanced modeling of protein sequence and biophysical properties (such as structural, functional, and spatial information, amino acid conservation, physicochemical variation, residue mobility, and thermodynamic stability) performed at Invitae indicates that this missense variant is expected to disrupt FBN1 protein function. This sequence change replaces threonine, which is neutral and polar, with proline, which is neutral and non-polar, at codon 631 of the FBN1 protein (p.Thr631Pro). This variant is not present in population databases (gnomAD no frequency). This missense change has been observed in individual(s) with clinical features of Marfan syndrome and/or Marfan syndrome (Invitae). In at least one individual the variant was observed to be de novo. ClinVar contains an entry for this variant (Variation ID: 959230).

Laboratory of Medical Genetics, National & Kapodistrian University of Athens
Classification: Likely pathogenic for Marfan syndrome. Last evaluated: 2022-09-22. Review status: criteria provided, single submitter. Criteria: ACMG Guidelines, 2015. Collection method: clinical testing. Allele origin: germline. Affected: yes.
Comment: PM1, PM2, PP2, PP3

GeneDx
Classification: Uncertain significance. Last evaluated: 2022-08-19. Review status: criteria provided, single submitter. Criteria: GeneDx Variant Classification Process June 2021. Collection method: clinical testing. Allele origin: germline. Affected: yes.
Comment: Identified in a patient with congenital ectopia lentis (EL) in published literature (Chen et al., 2021; Chen et al., 2022); Not observed at significant frequency in large population cohorts (gnomAD); Although located in a calcium-binding EGF-like domain of the FBN1 gene, it does not affect a cysteine residue within this domain; cysteine substitutions in the calcium-binding EGF-like domains represent the majority of pathogenic missense changes associated with FBN1-related disorders (Collod-Beroud et al., 2003); In silico analysis supports that this missense variant has a deleterious effect on protein structure/function; This variant is associated with the following publications: (PMID: 12938084, 34550612, 34818515)

NM_000138.5(FBN1):c.1891A>C (p.Thr631Pro)

Gene: FBN1 (fibrillin 1; minus strand). Cytogenetic location: 15q21.1.
Variant type: single nucleotide variant.
Coding change: c.1891A>C on transcript NM_000138.5 (MANE Select); coding-DNA position 1891, A replaced by C.
Protein change: p.Thr631Pro; replaces threonine 631 with proline.
Molecular consequence: missense variant.
Genome position (GRCh38, 1-based): chr15:48,505,094, T>G on the plus strand (A>C on the coding strand, the complement: FBN1 is on the minus strand). VCF-style: chr15-48505094-T-G. GRCh37 (hg19) VCF-style: chr15-48797291-T-G.
Other names: short protein forms T631P.
Identifiers: ClinVar variation 959230 (VCV000959230.11), dbSNP rs2043697314, ClinGen allele CA392339098.